The following is an entry in ClinVar:

ClinVar aggregate classification (germline): Uncertain significance (1 of 4 stars; one submission).

Submission:

Institute for Clinical Genetics, University Hospital TU Dresden, University Hospital TU Dresden
Classification: Uncertain significance. Last evaluated: 2022-07-25. Review status: criteria provided, single submitter. Criteria: ACMG Guidelines, 2015. Collection method: clinical testing. Allele origin: germline.
Comment: PM2_SUP, PP2

NM_000807.4(GABRA2):c.1162T>G (p.Ser388Ala)

Gene: GABRA2 (gamma-aminobutyric acid type A receptor subunit alpha2; minus strand). Cytogenetic location: 4p12.
Variant type: single nucleotide variant.
Coding change: c.1162T>G on transcript NM_000807.4 (MANE Select); coding-DNA position 1162, T replaced by G.
Protein change: p.Ser388Ala; replaces serine 388 with alanine.
Molecular consequence: missense variant.
Genome position (GRCh38, 1-based): chr4:46,250,502, A>C on the plus strand (T>G on the coding strand, the complement: GABRA2 is on the minus strand). VCF-style: chr4-46250502-A-C. GRCh37 (hg19) VCF-style: chr4-46252519-A-C.
Other names: c.1177T>G, p.Ser393Ala (NM_001286827.3); c.1342T>G, p.Ser448Ala (NM_001330690.2, NM_001377144.1, NM_001377145.1); c.1162T>G, p.Ser388Ala (NM_001377146.1, NM_001377147.1, NM_001377148.1 and 4 more transcripts); c.997T>G, p.Ser333Ala (NM_001377152.1, NM_001377153.1, NM_001377154.1); short protein forms S333A, S388A, S393A, S448A.
Identifiers: ClinVar variation 2575971 (VCV002575971.1), dbSNP rs2475199134, ClinGen allele CA356802519.